The following is an entry in ClinVar:

ClinVar aggregate classification (germline): Benign/Likely benign. Review status: criteria provided, multiple submitters, no conflicts (2 of 4 stars). 3 submissions from 3 submitters: Benign (1); Likely benign (2). Last evaluated 2024-08-12.

Conditions:
Hereditary cancer-predisposing syndrome. Also called: Tumor predisposition; Neoplastic Syndromes, Hereditary; Hereditary neoplastic syndrome; Hereditary Cancer Syndrome. Identifiers: Orphanet 140162, MedGen C0027672, MeSH D009386, MONDO:0015356.
Oligodontia-cancer predisposition syndrome. Also called: TOOTH AGENESIS-COLORECTAL CANCER SYNDROME. Identifiers: Orphanet 300576, MedGen C1837750, MONDO:0012075, OMIM 608615. Disease mechanism: loss of function.

Allele frequency attached by ClinVar (database versions not stated): gnomAD exomes below 0.00001 and 0.00001; ExAC 0.00002.

Submissions (3):

Labcorp Genetics (formerly Invitae), Labcorp
Classification: Likely benign for Oligodontia-cancer predisposition syndrome. Last evaluated: 2024-08-12. Review status: criteria provided, single submitter. Criteria: Invitae Variant Classification Sherloc (09022015). Collection method: clinical testing. Allele origin: germline.

Myriad Genetics, Inc.
Classification: Benign for Oligodontia-cancer predisposition syndrome. Last evaluated: 2024-06-25. Review status: criteria provided, single submitter. Criteria: Myriad Autosomal Dominant, Autosomal Recessive and X-Linked Classification Criteria (2023). Collection method: clinical testing. Allele origin: unknown.
Comment: This variant is considered benign. This variant is a silent/synonymous amino acid change and it is not expected to impact splicing.

Ambry Genetics
Classification: Likely benign for Hereditary cancer-predisposing syndrome. Last evaluated: 2024-05-31. Review status: criteria provided, single submitter. Criteria: Ambry Variant Classification Scheme 2023. Collection method: clinical testing. Allele origin: germline.

NM_004655.4(AXIN2):c.237C>T (p.Thr79=)

Gene: AXIN2 (axin 2; minus strand). Cytogenetic location: 17q24.1.
Variant type: single nucleotide variant.
Coding change: c.237C>T on transcript NM_004655.4 (MANE Select); coding-DNA position 237, C replaced by T.
Protein change: p.Thr79=; no amino-acid change (threonine 79 retained).
Molecular consequence: synonymous variant.
Genome position (GRCh38, 1-based): chr17:65,558,384, G>A on the plus strand (C>T on the coding strand, the complement: AXIN2 is on the minus strand). VCF-style: chr17-65558384-G-A. GRCh37 (hg19) VCF-style: chr17-63554502-G-A.
Other names: c.237C>T (LRG_296t1); c.237C>T, p.Thr79= (NM_001363813.1).
Identifiers: ClinVar variation 415231 (VCV000415231.14), dbSNP rs778723566, ClinGen allele CA8719079.